The following is an entry in ClinVar:

NM_001277313.2(FMN1):c.2867C>T (p.Pro956Leu)

Gene: FMN1 (formin 1; minus strand). Cytogenetic location: 15q13.3.
Variant type: single nucleotide variant.
Coding change: c.2867C>T on transcript NM_001277313.2 (MANE Select); coding-DNA position 2867, C replaced by T.
Protein change: p.Pro956Leu; replaces proline 956 with leucine.
Molecular consequence: missense variant.
Genome position (GRCh38, 1-based): chr15:32,968,834, G>A on the plus strand (C>T on the coding strand, the complement: FMN1 is on the minus strand). VCF-style: chr15-32968834-G-A. GRCh37 (hg19) VCF-style: chr15-33261035-G-A.
Other names: c.2198C>T (NM_001103184.2); c.2198C>T, p.Pro733Leu (NM_001103184.4); short protein forms P956L, P733L.
Identifiers: ClinVar variation 2889022 (VCV002889022.4), dbSNP rs747872834, ClinGen allele CA7456856.

ClinVar aggregate classification (germline): Uncertain significance. Review status: criteria provided, multiple submitters, no conflicts (2 of 4 stars). 2 submissions from 2 submitters: Uncertain significance (2). Last evaluated 2024-04-22.

Allele frequency attached by ClinVar (database versions not stated): ExAC 0.00009; gnomAD exomes 0.00009; TOPMed 0.00009.
gnomAD v4.1: 144 of 1,610,428 alleles (0.0089%); highest among the groups gnomAD compares: Non-Finnish European, 0.011%; no homozygotes.

Submissions (2):

Ambry Genetics
Classification: Uncertain significance. Last evaluated: 2024-04-22. Review status: criteria provided, single submitter. Criteria: Ambry Variant Classification Scheme 2023. Collection method: clinical testing. Allele origin: germline.

Labcorp Genetics (formerly Invitae), Labcorp
Classification: Uncertain significance. Last evaluated: 2023-03-02. Review status: criteria provided, single submitter. Criteria: Invitae Variant Classification Sherloc (09022015). Collection method: clinical testing. Allele origin: germline.
Comment: In summary, the available evidence is currently insufficient to determine the role of this variant in disease. Therefore, it has been classified as a Variant of Uncertain Significance. Experimental studies and prediction algorithms are not available or were not evaluated, and the functional significance of this variant is currently unknown. This variant has not been reported in the literature in individuals affected with FMN1-related conditions. This variant is present in population databases (rs747872834, gnomAD 0.02%). This sequence change replaces proline, which is neutral and non-polar, with leucine, which is neutral and non-polar, at codon 733 of the FMN1 protein (p.Pro733Leu).